The following is an entry in ClinVar:

ClinVar aggregate classification (germline): Uncertain significance. Review status: criteria provided, multiple submitters, no conflicts (2 of 4 stars). 4 submissions from 4 submitters: Uncertain significance (4). Last evaluated 2026-06-08.

Conditions:
PEX2-related disorder. Also called: PEX2-related condition.
Peroxisome biogenesis disorder 5A (Zellweger) (PBD5A). Identifiers: Orphanet 912, MedGen C3553940, MONDO:0013932, OMIM 614866.

gnomAD v4.1: 7 of 1,613,904 alleles (0.00043%); highest among the groups gnomAD compares: Admixed American, 0.012%; no homozygotes.

Submissions (4):

PreventionGenetics, part of Exact Sciences
Classification: Uncertain significance for PEX2-related condition. Last evaluated: 2026-06-08. Review status: criteria provided, single submitter. Criteria: ACMG Guidelines, 2015. Collection method: clinical testing. Allele origin: germline.
Comment: The PEX2 c.619C>G variant is predicted to result in the amino acid substitution p.Leu207Val. To our knowledge, this variant has not been reported in the literature. This variant is reported in 0.0087% of alleles in individuals of Latino descent in gnomAD. At this time, the clinical significance of this variant is uncertain due to the absence of conclusive functional and genetic evidence.

Labcorp Genetics (formerly Invitae), Labcorp
Classification: Uncertain significance for Peroxisome biogenesis disorder 5A (Zellweger). Last evaluated: 2022-11-01. Review status: criteria provided, single submitter. Criteria: Invitae Variant Classification Sherloc (09022015). Collection method: clinical testing. Allele origin: germline.
Comment: This sequence change replaces leucine, which is neutral and non-polar, with valine, which is neutral and non-polar, at codon 207 of the PEX2 protein (p.Leu207Val). This variant is present in population databases (no rsID available, gnomAD 0.009%). This variant has not been reported in the literature in individuals affected with PEX2-related conditions. ClinVar contains an entry for this variant (Variation ID: 594290). Advanced modeling of protein sequence and biophysical properties (such as structural, functional, and spatial information, amino acid conservation, physicochemical variation, residue mobility, and thermodynamic stability) performed at Invitae indicates that this missense variant is not expected to disrupt PEX2 protein function. In summary, the available evidence is currently insufficient to determine the role of this variant in disease. Therefore, it has been classified as a Variant of Uncertain Significance.

Eurofins Ntd Llc (ga)
Classification: Uncertain significance. Last evaluated: 2017-09-29. Review status: criteria provided, single submitter. Criteria: EGL Classification Definitions 2015. Collection method: clinical testing. Allele origin: germline. Observed: 1 variant allele, 1 heterozygote.

Breakthrough Genomics
Classification: Uncertain significance. Review status: criteria provided, single submitter. Criteria: ACMG Guidelines, 2015. Collection method: not provided. Allele origin: germline. Inheritance: Autosomal recessive inheritance. Affected: yes.

NM_000318.3(PEX2):c.619C>G (p.Leu207Val)

Gene: PEX2 (peroxisomal biogenesis factor 2; minus strand). Cytogenetic location: 8q21.13.
Variant type: single nucleotide variant.
Coding change: c.619C>G on transcript NM_000318.3 (MANE Select); coding-DNA position 619, C replaced by G.
Protein change: p.Leu207Val; replaces leucine 207 with valine.
Molecular consequence: missense variant.
Genome position (GRCh38, 1-based): chr8:76,983,560, G>C on the plus strand (C>G on the coding strand, the complement: PEX2 is on the minus strand). VCF-style: chr8-76983560-G-C. GRCh37 (hg19) VCF-style: chr8-77895796-G-C.
Other names: c.619C>G, p.Leu207Val (NM_001079867.2, NM_001172086.2, NM_001172087.2); c.619C>G (NM_000318.2); short protein forms L207V.
Identifiers: ClinVar variation 594290 (VCV000594290.10), dbSNP rs143986865, ClinGen allele CA371556942.